The following is an entry in ClinVar:

ClinVar aggregate classification (germline): Uncertain significance (1 of 4 stars; one submission).

Conditions:
Hereditary cancer-predisposing syndrome. Also called: Neoplastic Syndromes, Hereditary; Hereditary Cancer Syndrome; Tumor predisposition; Hereditary neoplastic syndrome. Identifiers: Orphanet 140162, MedGen C0027672, MeSH D009386, MONDO:0015356.

gnomAD v4.1: 7 of 1,613,986 alleles (0.00043%); highest among the groups gnomAD compares: Non-Finnish European, 0.00051%; no homozygotes.

Submission:

Ambry Genetics
Classification: Uncertain significance for Hereditary cancer-predisposing syndrome. Last evaluated: 2024-12-15. Review status: criteria provided, single submitter. Criteria: Ambry Variant Classification Scheme 2023. Collection method: clinical testing. Allele origin: germline.
Comment: The p.E128V variant (also known as c.383A>T), located in coding exon 4 of the POT1 gene, results from an A to T substitution at nucleotide position 383. The glutamic acid at codon 128 is replaced by valine, an amino acid with dissimilar properties. This amino acid position is conserved. In addition, this alteration is predicted to be tolerated by in silico analysis. Based on the available evidence, the clinical significance of this variant remains unclear.

NM_015450.3(POT1):c.383A>T (p.Glu128Val)

Gene: POT1 (protection of telomeres 1; minus strand). Cytogenetic location: 7q31.33.
Variant type: single nucleotide variant.
Coding change: c.383A>T on transcript NM_015450.3 (MANE Select); coding-DNA position 383, A replaced by T.
Protein change: p.Glu128Val; replaces glutamic acid 128 with valine.
Molecular consequence: missense variant. On other transcripts: 5 prime UTR variant (1), non-coding transcript variant (3).
Genome position (GRCh38, 1-based): chr7:124,863,513, T>A on the plus strand (A>T on the coding strand, the complement: POT1 is on the minus strand). VCF-style: chr7-124863513-T-A. GRCh37 (hg19) VCF-style: chr7-124503567-T-A.
Other names: c.-11A>T (NM_001042594.2); short protein forms E128V.
Identifiers: ClinVar variation 3781976 (VCV003781976.1).
Genomic context (GRCh38, chr7:124,863,513, plus strand): 5'-CAAGACGGTGACATATGAGTAGATGCCCAAACACGTAAGGCTTCTACCATTTTGTGGTCC[T>A]CAGTAGTGAAGTTAAAATACTTGCTTGAAGTGCGAGGTATGATAGGGGCTCCCAAAGTTC-3'
Protein context (NP_056265.2, residues 118-138): TSSKYFNFTT[Glu128Val]DHKMVEALRV